The following is an entry in ClinVar:

ClinVar aggregate classification (germline): Likely benign. Review status: criteria provided, multiple submitters, no conflicts (2 of 4 stars). 2 submissions from 2 submitters: Likely benign (2). Last evaluated 2025-12-15.

Conditions:
PLAA-related disorder. Also called: PLAA-related condition.

Allele frequency attached by ClinVar (database versions not stated): gnomAD exomes 0.00002 and 0.00016; ExAC 0.00003; gnomAD 0.00009; TOPMed 0.00009.
gnomAD v4.1: 258 of 1,593,512 alleles (0.016%); highest among the groups gnomAD compares: Non-Finnish European, 0.019%; no homozygotes.

Submissions (2):

Labcorp Genetics (formerly Invitae), Labcorp
Classification: Likely benign. Last evaluated: 2025-12-15. Review status: criteria provided, single submitter. Criteria: Invitae Variant Classification Sherloc (09022015). Collection method: clinical testing. Allele origin: germline.

PreventionGenetics, part of Exact Sciences
Classification: Likely benign for PLAA-related condition. Last evaluated: 2024-11-05. Review status: criteria provided, single submitter. Criteria: ACMG Guidelines, 2015. Collection method: clinical testing. Allele origin: germline.
Comment: This variant is classified as likely benign based on ACMG/AMP sequence variant interpretation guidelines (Richards et al. 2015 PMID: 25741868, with internal and published modifications).

NM_001031689.3(PLAA):c.36C>T (p.Cys12=)

Gene: PLAA (phospholipase A2 activating protein; minus strand). Cytogenetic location: 9p21.2.
Variant type: single nucleotide variant.
Coding change: c.36C>T on transcript NM_001031689.3 (MANE Select); coding-DNA position 36, C replaced by T.
Protein change: p.Cys12=; no amino-acid change (cysteine 12 retained).
Molecular consequence: synonymous variant.
Genome position (GRCh38, 1-based): chr9:26,947,010, G>A on the plus strand (C>T on the coding strand, the complement: PLAA is on the minus strand). VCF-style: chr9-26947010-G-A. GRCh37 (hg19) VCF-style: chr9-26947008-G-A.
Other names: c.36C>T, p.Cys12= (NM_001321546.2); c.36C>T (NM_001031689.2).
Identifiers: ClinVar variation 1603725 (VCV001603725.9), dbSNP rs749744311, ClinGen allele CA5014748.
Genomic context (GRCh38, chr9:26,947,010, plus strand): 5'-TCCCGGCGGATAGGCGCAGCACACCAGGCCCCGTACGTCCAGCTCGTGGCCCCGGAGCGA[G>A]CAGCTCAGCCGGTACCTGGTTGCGCCGCTCGTCATGGCCAGTGTCTGTCTGGCGCCCGGT-3'
Protein context (NP_001026859.1, residues 2-22): TSGATRYRLS[Cys12=]SLRGHELDVR